The following is an entry in ClinVar:

NM_001040108.2(MLH3):c.4043C>T (p.Thr1348Ile)

Gene: MLH3 (mutL homolog 3; minus strand). Cytogenetic location: 14q24.3.
Variant type: single nucleotide variant.
Coding change: c.4043C>T on transcript NM_001040108.2 (MANE Select); coding-DNA position 4043, C replaced by T.
Protein change: p.Thr1348Ile; replaces threonine 1348 with isoleucine.
Molecular consequence: missense variant.
Genome position (GRCh38, 1-based): chr14:75,022,861, G>A on the plus strand (C>T on the coding strand, the complement: MLH3 is on the minus strand). VCF-style: chr14-75022861-G-A. GRCh37 (hg19) VCF-style: chr14-75489564-G-A.
Other names: c.3971C>T, p.Thr1324Ile (NM_014381.3); short protein forms T1324I, T1348I.
Identifiers: ClinVar variation 3295088 (VCV003295088.1).
Genomic context (GRCh38, chr14:75,022,861, plus strand): 5'-TTGAAGGGCTTACCATGGCAGGCTTGGGATGCCAACACCTTCTGGACAGTCAGTGGCAAT[G>A]TCCCTTGGATGCCTCCGGTGGTCTGGAGTAGCTAATGCATAAACACGTTATTAACAGGAA-3'
Protein context (NP_001035197.1, residues 1338-1358): LLQTTGGIQG[Thr1348Ile]LPLTVQKVLA

ClinVar aggregate classification (germline): Uncertain significance (1 of 4 stars; one submission).

Submission:

Ambry Genetics
Classification: Uncertain significance. Last evaluated: 2024-03-21. Review status: criteria provided, single submitter. Criteria: Ambry Variant Classification Scheme 2023. Collection method: clinical testing. Allele origin: germline.
Comment: The p.T1348I variant (also known as c.4043C>T), located in coding exon 10 of the MLH3 gene, results from a C to T substitution at nucleotide position 4043. The threonine at codon 1348 is replaced by isoleucine, an amino acid with similar properties. This amino acid position is not well conserved in available vertebrate species. In addition, this alteration is predicted to be tolerated by in silico analysis. The evidence for this gene-disease relationship is limited; therefore, the clinical significance of this alteration is unclear.